The following is an entry in ClinVar:

NM_002336.3(LRP6):c.4333A>G (p.Met1445Val)

Gene: LRP6 (LDL receptor related protein 6; minus strand). Cytogenetic location: 12p13.2.
Variant type: single nucleotide variant.
Coding change: c.4333A>G on transcript NM_002336.3 (MANE Select); coding-DNA position 4333, A replaced by G.
Protein change: p.Met1445Val; replaces methionine 1445 with valine.
Molecular consequence: missense variant. On other transcripts: non-coding transcript variant (1).
Genome position (GRCh38, 1-based): chr12:12,125,412, T>C on the plus strand (A>G on the coding strand, the complement: LRP6 is on the minus strand). VCF-style: chr12-12125412-T-C. GRCh37 (hg19) VCF-style: chr12-12278346-T-C.
Other names: c.3970A>G, p.Met1324Val (NM_001414251.1); c.3880A>G, p.Met1294Val (NM_001414252.1, NM_001414253.1, NM_001414254.1); c.3826A>G, p.Met1276Val (NM_001414255.1); c.4426A>G, p.Met1476Val (NM_001414244.1); c.4333A>G, p.Met1445Val (NM_001414245.1, NM_001414248.1, NM_001414249.1 and 1 more transcripts); c.4198A>G, p.Met1400Val (NM_001414246.1); c.4135A>G, p.Met1379Val (NM_001414247.1); short protein forms M1294V, M1445V, M1476V, M1276V, M1324V, M1379V, M1400V.
Identifiers: ClinVar variation 2895745 (VCV002895745.3), dbSNP rs761703397, ClinGen allele CA6454986.

ClinVar aggregate classification (germline): Uncertain significance (1 of 4 stars; one submission).

Allele frequency attached by ClinVar (database versions not stated): TOPMed 0.00002; gnomAD 0.00003; ExAC 0.00007; gnomAD exomes 0.00001.

Submission:

Labcorp Genetics (formerly Invitae), Labcorp
Classification: Uncertain significance. Last evaluated: 2025-03-05. Review status: criteria provided, single submitter. Criteria: Invitae Variant Classification Sherloc (09022015). Collection method: clinical testing. Allele origin: germline.
Comment: This sequence change replaces methionine, which is neutral and non-polar, with valine, which is neutral and non-polar, at codon 1445 of the LRP6 protein (p.Met1445Val). This variant is present in population databases (rs761703397, gnomAD 0.06%), and has an allele count higher than expected for a pathogenic variant. This variant has not been reported in the literature in individuals affected with LRP6-related conditions. ClinVar contains an entry for this variant (Variation ID: 2895745). Invitae Evidence Modeling of protein sequence and biophysical properties (such as structural, functional, and spatial information, amino acid conservation, physicochemical variation, residue mobility, and thermodynamic stability) indicates that this missense variant is not expected to disrupt LRP6 protein function with a negative predictive value of 80%. In summary, the available evidence is currently insufficient to determine the role of this variant in disease. Therefore, it has been classified as a Variant of Uncertain Significance.